The following is an entry in ClinVar:

ClinVar aggregate classification (germline): Uncertain significance. Review status: criteria provided, multiple submitters, no conflicts (2 of 4 stars). 2 submissions from 2 submitters: Uncertain significance (2). Last evaluated 2025-07-02.

Conditions:
Severe combined immunodeficiency due to CORO1A deficiency. Also called: Immunodeficiency 8; IMMUNODEFICIENCY 8 WITH LYMPHOPROLIFERATION. Identifiers: Orphanet 228003, MedGen C3809383, MONDO:0014168, OMIM 615401.
Inborn genetic diseases. Identifiers: MedGen C0950123, MeSH D030342.

Allele frequency attached by ClinVar (database versions not stated): gnomAD exomes below 0.00001; TOPMed below 0.00001; ExAC 0.00001; gnomAD 0.00001.
gnomAD v4.1: 4 of 1,613,180 alleles (0.00025%); highest among the groups gnomAD compares: Non-Finnish European, 0.00034%; no homozygotes.

Submissions (2):

Ambry Genetics
Classification: Uncertain significance for Inborn genetic diseases. Last evaluated: 2025-07-02. Review status: criteria provided, single submitter. Criteria: Ambry Variant Classification Scheme 2023. Collection method: clinical testing. Allele origin: germline.

Labcorp Genetics (formerly Invitae), Labcorp
Classification: Uncertain significance for Severe combined immunodeficiency due to CORO1A deficiency. Last evaluated: 2022-11-15. Review status: criteria provided, single submitter. Criteria: Invitae Variant Classification Sherloc (09022015). Collection method: clinical testing. Allele origin: germline.
Comment: In summary, the available evidence is currently insufficient to determine the role of this variant in disease. Therefore, it has been classified as a Variant of Uncertain Significance. Advanced modeling of protein sequence and biophysical properties (such as structural, functional, and spatial information, amino acid conservation, physicochemical variation, residue mobility, and thermodynamic stability) performed at Invitae indicates that this missense variant is expected to disrupt CORO1A protein function. ClinVar contains an entry for this variant (Variation ID: 843470). This variant has not been reported in the literature in individuals affected with CORO1A-related conditions. This variant is present in population databases (rs775164105, gnomAD 0.0009%). This sequence change replaces histidine, which is basic and polar, with glutamine, which is neutral and polar, at codon 92 of the CORO1A protein (p.His92Gln).

NM_007074.4(CORO1A):c.276C>A (p.His92Gln)

Gene: CORO1A (coronin 1A; plus strand). Cytogenetic location: 16p11.2.
Variant type: single nucleotide variant.
Coding change: c.276C>A on transcript NM_007074.4 (MANE Select); coding-DNA position 276, C replaced by A.
Protein change: p.His92Gln; replaces histidine 92 with glutamine.
Molecular consequence: missense variant.
Genome position (GRCh38, 1-based): chr16:30,186,675, C>A. VCF-style: chr16-30186675-C-A. GRCh37 (hg19) VCF-style: chr16-30197996-C-A.
Other names: c.276C>A, p.His92Gln (NM_001193333.3); short protein forms H92Q.
Identifiers: ClinVar variation 843470 (VCV000843470.11), dbSNP rs775164105, ClinGen allele CA8003072.
Genomic context (GRCh38, chr16:30,186,675, plus strand): 5'-GAATGCGCCCACGGTCTGTGGCCACACAGCCCCTGTGCTAGACATCGCCTGGTGCCCGCA[C>A]AATGACAACGTCATTGCCAGTGGCTCCGAGGACTGCACAGTCATGGTGAGTGGTGGTGGG-3'
Protein context (NP_009005.1, residues 82-102): APVLDIAWCP[His92Gln]NDNVIASGSE